The following is an entry in ClinVar:

ClinVar aggregate classification (germline): Benign (1 of 4 stars; one submission).

Conditions:
Retinitis pigmentosa (RP). Identifiers: Orphanet 791, MedGen C0035334, MeSH D012174, MONDO:0019200, OMIM 268000. Inheritance: Autosomal dominant, autosomal recessive and X linked inheritance.

Allele frequency attached by ClinVar (database versions not stated): gnomAD 0.02824 and 0.03015; 1000 Genomes Project 0.03035; TOPMed 0.03214; 1000 Genomes Project 30x 0.03264.

Submission:

Illumina Laboratory Services, Illumina
Classification: Benign for Retinitis pigmentosa. Last evaluated: 2018-01-13. Review status: criteria provided, single submitter. Criteria: ICSL Variant Classification Criteria 13 December 2019. Collection method: clinical testing. Allele origin: germline.
Comment: This variant was observed in the ICSL laboratory as part of a predisposition screen in an ostensibly healthy population. It had not been previously curated by ICSL or reported in the Human Gene Mutation Database (HGMD: prior to June 1st, 2018), and was therefore a candidate for classification through an automated scoring system. Utilizing variant allele frequency, disease prevalence and penetrance estimates, and inheritance mode, an automated score was calculated to assess if this variant is too frequent to cause the disease. Based on the score and internal cut-off values, a variant classified as benign is not then subjected to further curation. The score for this variant resulted in a classification of benign for this disease.

NM_152443.3(RDH12):c.-275+12C>T

Genes: GPHN (gephyrin; plus strand), RDH12 (retinol dehydrogenase 12; plus strand). Cytogenetic location: 14q24.1.
Variant type: single nucleotide variant.
Coding change: c.-275+12C>T on transcript NM_152443.3 (MANE Select); 12 bases into the intron after 275 bases upstream of the start codon, C replaced by T.
Molecular consequence: intron variant.
Genome position (GRCh38, 1-based): chr14:67,701,947, C>T. VCF-style: chr14-67701947-C-T. GRCh37 (hg19) VCF-style: chr14-68168664-C-T.
Identifiers: ClinVar variation 313832 (VCV000313832.6), dbSNP rs73276636, ClinGen allele CA10644569.
Genomic context (GRCh38, chr14:67,701,947, plus strand): 5'-GGCACAAGCAATCCTCCCTTCTCAGCTTCCTGAGTGGCCAGGACTACAGGTAAGTGCCAC[C>T]ATGCCAGACTAATTTTCAAAATTTTTGTAGAGACAGTATCTCACTGTGTTGTAGAGACAG-3'